The following is an entry in ClinVar:

NM_007272.3(CTRC):c.212C>T (p.Thr71Ile)

Gene: CTRC (chymotrypsin C; plus strand). Cytogenetic location: 1p36.21.
Variant type: single nucleotide variant.
Coding change: c.212C>T on transcript NM_007272.3 (MANE Select); coding-DNA position 212, C replaced by T.
Protein change: p.Thr71Ile; replaces threonine 71 with isoleucine.
Molecular consequence: missense variant.
Genome position (GRCh38, 1-based): chr1:15,440,572, C>T. VCF-style: chr1-15440572-C-T. GRCh37 (hg19) VCF-style: chr1-15767068-C-T.
Other names: short protein forms T71I.
Identifiers: ClinVar variation 994274 (VCV000994274.11), dbSNP rs560916216, ClinGen allele CA613261.

ClinVar aggregate classification (germline): Uncertain significance. Review status: criteria provided, multiple submitters, no conflicts (2 of 4 stars). 2 submissions from 2 submitters: Uncertain significance (2). Last evaluated 2025-05-01.

Conditions:
Hereditary pancreatitis (PCTT). Also called: PRSS1-Related Hereditary Pancreatitis; Hereditary chronic pancreatitis. Identifiers: Orphanet 676, MedGen C0238339, MONDO:0008185, OMIM 167800.

Allele frequency attached by ClinVar (database versions not stated): 1000 Genomes Project below 0.00001; TOPMed below 0.00001; gnomAD 0.00001; gnomAD exomes 0.00001 and 0.00002; ExAC 0.00004.

Submissions (2):

Ambry Genetics
Classification: Uncertain significance for Hereditary pancreatitis. Last evaluated: 2025-05-01. Review status: criteria provided, single submitter. Criteria: Ambry Variant Classification Scheme 2023. Collection method: clinical testing. Allele origin: germline.
Comment: The p.T71I variant (also known as c.212C>T), located in coding exon 3 of the CTRC gene, results from a C to T substitution at nucleotide position 212. The threonine at codon 71 is replaced by isoleucine, an amino acid with similar properties. This amino acid position is highly conserved in available vertebrate species. In addition, this alteration is predicted to be deleterious by in silico analysis. Based on the available evidence, the clinical significance of this variant remains unclear.

ARUP Laboratories, Molecular Genetics and Genomics, ARUP Laboratories
Classification: Uncertain significance for Hereditary pancreatitis. Last evaluated: 2020-02-20. Review status: criteria provided, single submitter. Criteria: ARUP Molecular Germline Variant Investigation Process. Collection method: clinical testing. Allele origin: germline.
Comment: The CTRC c.212C>T; p.Thr71Ile variant (rs560916216), to our knowledge, is not reported in the medical literature or gene-specific databases. This variant is found on only six chromosomes (6/251182 alleles) in the Genome Aggregation Database. The threonine at codon 71 is highly conserved, and computational analyses (SIFT, PolyPhen-2) predict that this variant is deleterious. However, due to limited information, the clinical significance of the p.Thr71Ile variant is uncertain at this time.